The following is an entry in ClinVar:

ClinVar aggregate classification (germline): Uncertain significance (1 of 4 stars; one submission).

Allele frequency attached by ClinVar (database versions not stated): gnomAD exomes 0.00008; ExAC 0.00011; gnomAD 0.00011 and 0.00012; TOPMed 0.00018; ESP Exome Variant Server 0.00031.
gnomAD v4.1: 238 of 1,601,786 alleles (0.015%); highest among the groups gnomAD compares: Non-Finnish European, 0.018%; no homozygotes.

Submission:

Labcorp Genetics (formerly Invitae), Labcorp
Classification: Uncertain significance. Last evaluated: 2022-02-21. Review status: criteria provided, single submitter. Criteria: Invitae Variant Classification Sherloc (09022015). Collection method: clinical testing. Allele origin: germline.
Comment: This sequence change replaces alanine, which is neutral and non-polar, with valine, which is neutral and non-polar, at codon 81 of the VPS13C protein (p.Ala81Val). In summary, the available evidence is currently insufficient to determine the role of this variant in disease. Therefore, it has been classified as a Variant of Uncertain Significance. Algorithms developed to predict the effect of missense changes on protein structure and function are either unavailable or do not agree on the potential impact of this missense change (SIFT: "Tolerated"; PolyPhen-2: "Probably Damaging"; Align-GVGD: "Class C0"). This variant has not been reported in the literature in individuals affected with VPS13C-related conditions. This variant is present in population databases (rs151147947, gnomAD 0.02%).

NM_020821.3(VPS13C):c.242C>T (p.Ala81Val)

Gene: VPS13C (vacuolar protein sorting 13 homolog C; minus strand). Cytogenetic location: 15q22.2.
Variant type: single nucleotide variant.
Coding change: c.242C>T on transcript NM_020821.3 (MANE Select); coding-DNA position 242, C replaced by T.
Protein change: p.Ala81Val; replaces alanine 81 with valine.
Molecular consequence: missense variant.
Genome position (GRCh38, 1-based): chr15:62,034,998, G>A on the plus strand (C>T on the coding strand, the complement: VPS13C is on the minus strand). VCF-style: chr15-62034998-G-A. GRCh37 (hg19) VCF-style: chr15-62327197-G-A.
Other names: c.242C>T, p.Ala81Val (NM_001018088.3, NM_017684.5, NM_018080.4); short protein forms A81V.
Identifiers: ClinVar variation 1436603 (VCV001436603.4), dbSNP rs151147947, ClinGen allele CA7597625.
Genomic context (GRCh38, chr15:62,034,998, plus strand): 5'-ATAACCTAAAATAACATACTTGCTCCAGGGACAACAAGCAGGTATAATCCTTCCAGGGTC[G>A]CAACAACTGCTTCTCCATAAAGGTTCTTCCAAGGAATCTTCAAAGTTAATTTATCTAAGG-3'
Protein context (NP_065872.1, residues 71-91): WKNLYGEAVV[Ala81Val]TLEGLYLLVV